The following is an entry in ClinVar:

ClinVar aggregate classification (germline): Pathogenic. Review status: criteria provided, multiple submitters, no conflicts (2 of 4 stars). 2 submissions from 2 submitters: Pathogenic (2). Last evaluated 2026-01-22.

Conditions:
Hereditary cancer-predisposing syndrome. Also called: Neoplastic Syndromes, Hereditary; Tumor predisposition; Hereditary Cancer Syndrome; Hereditary neoplastic syndrome. Identifiers: Orphanet 140162, MedGen C0027672, MeSH D009386, MONDO:0015356.
Cardiovascular phenotype. Identifiers: MedGen CN230736.

Submissions (2):

Labcorp Genetics (formerly Invitae), Labcorp
Classification: Pathogenic. Last evaluated: 2026-01-22. Review status: criteria provided, single submitter. Criteria: Invitae Variant Classification Sherloc (09022015). Collection method: clinical testing. Allele origin: germline.
Comment: This sequence change creates a premature translational stop signal (p.Thr72Serfs*5) in the LZTR1 gene. It is expected to result in an absent or disrupted protein product. Loss-of-function variants in LZTR1 are known to be pathogenic (PMID: 24362817, 25335493, 25480913, 25795793, 29469822, 30368668, 30442762, 30442766, 30481304, 30859559). This variant is not present in population databases (gnomAD no frequency). This variant has not been reported in the literature in individuals affected with LZTR1-related conditions. For these reasons, this variant has been classified as Pathogenic.

Ambry Genetics
Classification: Pathogenic for Cardiovascular phenotype; Hereditary cancer-predisposing syndrome. Last evaluated: 2022-04-28. Review status: criteria provided, single submitter. Criteria: Ambry Variant Classification Scheme 2023. Collection method: clinical testing. Allele origin: germline.
Comment: The c.215_216delCA pathogenic mutation, located in coding exon 2 of the LZTR1 gene, results from a deletion of two nucleotides at nucleotide positions 215 to 216, causing a translational frameshift with a predicted alternate stop codon (p.T72Sfs*5). This alteration is expected to result in loss of function by premature protein truncation or nonsense-mediated mRNA decay. Loss-of-function variants in LZTR1 are related to an increased risk for schwannomas and autosomal recessive Noonan syndrome; however, such associations with autosomal dominant Noonan syndrome have not been observed (Piotrowski A et al. Nat Genet. 2014 Feb;46:182-7; Yamamoto GL et al. J Med Genet. 2015 Jun;52:413-21; Johnston JJ et al. Genet Med. 2018 10;20:1175-1185). Based on the supporting evidence, this variant is pathogenic for an increased risk of LZTR1-related schwannomatosis (SWN) and would be expected to cause autosomal recessive Noonan syndrome when present along with a second pathogenic or likely pathogenic variant on the other allele; however, the association of this alteration with autosomal dominant Noonan syndrome is unlikely.

Literature cited by the submitters: PubMed 24362817 (cited by Labcorp Genetics (formerly Invitae), Labcorp); PubMed 25335493 (cited by Labcorp Genetics (formerly Invitae), Labcorp); PubMed 25480913 (cited by Labcorp Genetics (formerly Invitae), Labcorp); PubMed 25795793 (cited by Labcorp Genetics (formerly Invitae), Labcorp); PubMed 29469822 (cited by Labcorp Genetics (formerly Invitae), Labcorp); PubMed 30368668 (cited by Labcorp Genetics (formerly Invitae), Labcorp); PubMed 30442762 (cited by Labcorp Genetics (formerly Invitae), Labcorp); PubMed 30442766 (cited by Labcorp Genetics (formerly Invitae), Labcorp); PubMed 30481304 (cited by Labcorp Genetics (formerly Invitae), Labcorp); PubMed 30859559 (cited by Labcorp Genetics (formerly Invitae), Labcorp).

NM_006767.4(LZTR1):c.215_216del (p.Thr72fs)

Gene: LZTR1 (leucine zipper like post translational regulator 1; plus strand). Cytogenetic location: 22q11.21.
Variant type: Microsatellite.
Coding change: c.215_216del on transcript NM_006767.4 (MANE Select); coding-DNA positions 215 to 216, 2 bases deleted (CA; older notation c.215_216delCA).
Protein change: p.Thr72fs; shifts the reading frame from threonine 72.
Molecular consequence: frameshift variant.
Genome position (GRCh38, 1-based): chr22:20,983,041-20,983,042, CA deleted; deleting any 2 consecutive bases within chr22:20,983,037-20,983,042 gives the same sequence; the c. name uses the placement nearest the transcript's 3' end. VCF-style (leftmost placement, unchanged base first): chr22-20983036-GCA-G. GRCh37 (hg19) VCF-style: chr22-21337325-GCA-G.
Other names: short protein forms T72fs.
Identifiers: ClinVar variation 1786733 (VCV001786733.3), dbSNP rs2518608581, ClinGen allele CA2580615253.
Genomic context (GRCh38, chr22:20,983,036, plus strand): 5'-TGCCCCCCAGGAGGGTCCTGTCCTTACCGCCCTCCACTCCTTTCTTTCCAGGCGCAGCAA[GCA>G]CACAGTGGTGGCCTATAAAGATGCCATTTATGTATTTGGTGGAGACAATGGGTGAGTGAG-3'